The following is an entry in ClinVar:

ClinVar aggregate classification (germline): Likely pathogenic (0 of 4 stars; one submission).

Conditions:
Neurodevelopmental disorder with cerebellar atrophy and with or without seizures. Identifiers: MedGen C4748032, MONDO:0020841, OMIM 618056.

Submission:

Department of Reproductive Genetics, International Peace Maternity and Child Health Hospital, Shanghai Jiao Tong University School of Medicine
Classification: Likely pathogenic for Neurodevelopmental disorder with cerebellar atrophy and with or without seizures. Last evaluated: 2025-05-01. Review status: no assertion criteria provided. Collection method: clinical testing. Allele origin: inherited. Affected: yes.
Comment: Loss of function is a known disease mechanism of BRAT1, the NM_152743.4:c.1516C>T variant is a null variant predicted to cause a frameshift and predicted to undergo NMD. It was absent from gnomAD database.

NM_152743.4(BRAT1):c.1516C>T (p.Gln506Ter)

Gene: BRAT1 (BRCA1 associated ATM activator 1; minus strand). Cytogenetic location: 7p22.3.
Variant type: single nucleotide variant.
Coding change: c.1516C>T on transcript NM_152743.4 (MANE Select); coding-DNA position 1516, C replaced by T.
Protein change: p.Gln506Ter; replaces glutamine 506 with a stop codon.
Molecular consequence: nonsense. On other transcripts: non-coding transcript variant (1).
Genome position (GRCh38, 1-based): chr7:2,539,625, G>A on the plus strand (C>T on the coding strand, the complement: BRAT1 is on the minus strand). VCF-style: chr7-2539625-G-A. GRCh37 (hg19) VCF-style: chr7-2579259-G-A.
Other names: c.1516C>T, p.Gln506Ter (NM_001350626.2); c.991C>T, p.Gln331Ter (NM_001350627.2); short protein forms Q331*, Q506*.
Identifiers: ClinVar variation 4075756 (VCV004075756.1).